The following is an entry in ClinVar:

NM_152490.5(B3GALNT2):c.1039dup (p.Thr347fs)

Gene: B3GALNT2 (beta-1,3-N-acetylgalactosaminyltransferase 2; minus strand). Cytogenetic location: 1q42.3.
Variant type: Duplication.
Coding change: c.1039dup on transcript NM_152490.5 (MANE Select); coding-DNA position 1039, one base duplicated (A; older notation c.1039dupA).
Protein change: p.Thr347fs; shifts the reading frame from threonine 347.
Molecular consequence: frameshift variant.
Genome position (GRCh38, 1-based): chr1:235,455,671, T duplicated on the plus strand (A on the coding strand, the reverse complement: B3GALNT2 is on the minus strand); the first of 2 consecutive T bases (chr1:235,455,671-235,455,672); duplicating either gives the same sequence. VCF-style (leftmost placement, unchanged base first): chr1-235455670-G-GT. GRCh37 (hg19) VCF-style: chr1-235618982-G-GT.
Other names: short protein forms T347fs.
Identifiers: ClinVar variation 1455909 (VCV001455909.6), dbSNP rs2102784860, ClinGen allele CA2573132891.

ClinVar aggregate classification (germline): Pathogenic (1 of 4 stars; one submission).

Conditions:
Muscular dystrophy-dystroglycanopathy (congenital with brain and eye anomalies), type a, 11 (MDDGA11). Also called: Muscular dystrophy-dystroglycanopathy (congenital with brain and eye anomalies, type A, 11; WALKER-WARBURG SYNDROME OR MUSCLE-EYE-BRAIN DISEASE, B3GALNT2-RELATED; Congenital muscular dystrophy-dystroglycanopathy with brain and eye anomalies, type A11. Identifiers: Orphanet 588, Orphanet 899, MedGen C3554638, MONDO:0014071, OMIM 615181.

Submission:

Labcorp Genetics (formerly Invitae), Labcorp
Classification: Pathogenic for Muscular dystrophy-dystroglycanopathy (congenital with brain and eye anomalies), type a, 11. Last evaluated: 2021-08-31. Review status: criteria provided, single submitter. Criteria: Invitae Variant Classification Sherloc (09022015). Collection method: clinical testing. Allele origin: germline.
Comment: This sequence change creates a premature translational stop signal (p.Thr347Asnfs*11) in the B3GALNT2 gene. It is expected to result in an absent or disrupted protein product. Loss-of-function variants in B3GALNT2 are known to be pathogenic (PMID: 23453667). This variant is not present in population databases (ExAC no frequency). This variant has not been reported in the literature in individuals with B3GALNT2-related conditions. For these reasons, this variant has been classified as Pathogenic.

Literature cited by the submitters: PubMed 23453667.